The following is an entry in ClinVar:

NM_001197104.2(KMT2A):c.5962-1G>A

Gene: KMT2A (lysine methyltransferase 2A; plus strand). Cytogenetic location: 11q23.3.
Variant type: single nucleotide variant.
Coding change: c.5962-1G>A on transcript NM_001197104.2 (MANE Select); the canonical splice acceptor site of the intron before coding-DNA position 5962, G replaced by A.
Molecular consequence: splice acceptor variant.
Genome position (GRCh38, 1-based): chr11:118,499,302, G>A. VCF-style: chr11-118499302-G-A. GRCh37 (hg19) VCF-style: chr11-118370017-G-A.
Other names: c.6052-1G>A (NM_001412597.1); c.5953-1G>A (NM_005933.4).
Identifiers: ClinVar variation 2801309 (VCV002801309.3), dbSNP rs2496968735, ClinGen allele CA382799053.
Genomic context (GRCh38, chr11:118,499,302, plus strand): 5'-GATCATAAGTATAATGTGCAAAGGGACAGCCTATTAACAGCTACCATGGGTTTTATTTAA[G>A]GTGGTTCCTGAGAATGGATTTGAAGTTTTCAGAAGAGTGTTTGTGGACTTTGAAGGAATC-3'

ClinVar aggregate classification (germline): Likely pathogenic (1 of 4 stars; one submission).

Submission:

Labcorp Genetics (formerly Invitae), Labcorp
Classification: Likely pathogenic. Last evaluated: 2023-05-24. Review status: criteria provided, single submitter. Criteria: Invitae Variant Classification Sherloc (09022015). Collection method: clinical testing. Allele origin: germline.
Comment: This sequence change affects an acceptor splice site in intron 22 of the KMT2A gene. It is expected to disrupt RNA splicing. Variants that disrupt the donor or acceptor splice site typically lead to a loss of protein function (PMID: 16199547), and loss-of-function variants in KMT2A are known to be pathogenic (PMID: 22795537, 25574841, 25810209, 28120103, 29574747, 31157197, 31337854). This variant is not present in population databases (gnomAD no frequency). This variant has not been reported in the literature in individuals affected with KMT2A-related conditions. Algorithms developed to predict the effect of sequence changes on RNA splicing suggest that this variant may disrupt the consensus splice site. In summary, the currently available evidence indicates that the variant is pathogenic, but additional data are needed to prove that conclusively. Therefore, this variant has been classified as Likely Pathogenic.

Literature cited by the submitters: PubMed 16199547; PubMed 22795537; PubMed 25574841; PubMed 25810209; PubMed 28120103; PubMed 29574747; PubMed 31157197; PubMed 31337854.